The following is an entry in ClinVar:

NM_004329.3(BMPR1A):c.335A>T (p.Asp112Val)

Gene: BMPR1A (bone morphogenetic protein receptor type 1A; plus strand). Cytogenetic location: 10q23.2.
Variant type: single nucleotide variant.
Coding change: c.335A>T on transcript NM_004329.3 (MANE Select); coding-DNA position 335, A replaced by T.
Protein change: p.Asp112Val; replaces aspartic acid 112 with valine.
Molecular consequence: missense variant.
Genome position (GRCh38, 1-based): chr10:86,899,795, A>T. VCF-style: chr10-86899795-A-T. GRCh37 (hg19) VCF-style: chr10-88659552-A-T.
Other names: c.335A>T (NM_004329.2); short protein forms D112V.
Identifiers: ClinVar variation 1482685 (VCV001482685.10), dbSNP rs2133453165, ClinGen allele CA377449245.

ClinVar aggregate classification (germline): Uncertain significance. Review status: criteria provided, multiple submitters, no conflicts (2 of 4 stars). 2 submissions from 2 submitters: Uncertain significance (2). Last evaluated 2026-08-18.

Conditions:
Juvenile polyposis syndrome (JPS). Identifiers: Orphanet 2929, MedGen C0345893, MONDO:0017380, OMIM 174900.
Hereditary cancer-predisposing syndrome. Also called: Hereditary Cancer Syndrome; Tumor predisposition; Neoplastic Syndromes, Hereditary; Hereditary neoplastic syndrome. Identifiers: Orphanet 140162, MedGen C0027672, MeSH D009386, MONDO:0015356.

Submissions (2):

Ambry Genetics
Classification: Uncertain significance for Hereditary cancer-predisposing syndrome. Last evaluated: 2026-08-18. Review status: criteria provided, single submitter. Criteria: Ambry Variant Classification Scheme 2023. Collection method: clinical testing. Allele origin: germline.
Comment: The p.D112V variant (also known as c.335A>T), located in coding exon 4 of the BMPR1A gene, results from an A to T substitution at nucleotide position 335. The aspartic acid at codon 112 is replaced by valine, an amino acid with highly dissimilar properties. This amino acid position is highly conserved in available vertebrate species. In addition, this alteration is predicted to be deleterious by in silico analysis. Based on the available evidence, the clinical significance of this variant remains unclear.

Labcorp Genetics (formerly Invitae), Labcorp
Classification: Uncertain significance for Juvenile polyposis syndrome. Last evaluated: 2024-04-23. Review status: criteria provided, single submitter. Criteria: Invitae Variant Classification Sherloc (09022015). Collection method: clinical testing. Allele origin: germline.
Comment: This sequence change replaces aspartic acid, which is acidic and polar, with valine, which is neutral and non-polar, at codon 112 of the BMPR1A protein (p.Asp112Val). This variant is not present in population databases (gnomAD no frequency). This variant has not been reported in the literature in individuals affected with BMPR1A-related conditions. ClinVar contains an entry for this variant (Variation ID: 1482685). An algorithm developed to predict the effect of missense changes on protein structure and function (PolyPhen-2) suggests that this variant is likely to be tolerated. In summary, the available evidence is currently insufficient to determine the role of this variant in disease. Therefore, it has been classified as a Variant of Uncertain Significance.